The following is an entry in ClinVar:

ClinVar aggregate classification (germline): Uncertain significance (1 of 4 stars; one submission).

Conditions:
GNAS-related disorder. Identifiers: MedGen CN380105.

gnomAD v4.1: 3 of 1,613,498 alleles (0.00019%); highest among the groups gnomAD compares: Non-Finnish European, 0.00025%; no homozygotes.

Submission:

PreventionGenetics, part of Exact Sciences
Classification: Uncertain significance for GNAS-related condition. Last evaluated: 2026-03-06. Review status: criteria provided, single submitter. Criteria: ACMG Guidelines, 2015. Collection method: clinical testing. Allele origin: germline.
Comment: The GNAS c.374G>C variant is predicted to result in the amino acid substitution p.Ser125Thr. Of note, this variant can also be referred to as c.-38088G>C (Pre-Coding) in the more commonly reported isoform, NM_000516. To our knowledge, this variant has not been reported in the literature or in a large population database (gnomAD), indicating this variant is rare. At this time, the clinical significance of this variant is uncertain due to the absence of conclusive functional and genetic evidence.

NM_080425.4(GNAS):c.374G>C (p.Ser125Thr)

Gene: GNAS (GNAS complex locus; plus strand). Cytogenetic location: 20q13.32.
Variant type: single nucleotide variant.
Coding change: c.374G>C on transcript NM_080425.4 (MANE Plus Clinical); coding-DNA position 374, G replaced by C.
Protein change: p.Ser125Thr; replaces serine 125 with threonine.
Molecular consequence: missense variant. On other transcripts: intron variant (3).
Genome position (GRCh38, 1-based): chr20:58,853,639, G>C. VCF-style: chr20-58853639-G-C. GRCh37 (hg19) VCF-style: chr20-57428694-G-C.
Other names: c.187G>C, p.Val63Leu (NM_001077490.3, NM_001309883.1); c.374G>C, p.Ser125Thr (NM_001410913.1); c.*42+12753G>C (NM_016592.5); c.43+12753G>C (NM_001410912.1); c.-39+11764G>C (NM_001309861.2); short protein forms S125T, V63L.
Identifiers: ClinVar variation 4980145 (VCV004980145.1).